The following is an entry in ClinVar:

NM_000264.5(PTCH1):c.3385G>C (p.Gly1129Arg)

Gene: PTCH1 (patched 1; minus strand). Cytogenetic location: 9q22.32.
Variant type: single nucleotide variant.
Coding change: c.3385G>C on transcript NM_000264.5 (MANE Select); coding-DNA position 3385, G replaced by C.
Protein change: p.Gly1129Arg; replaces glycine 1129 with arginine.
Molecular consequence: missense variant. On other transcripts: non-coding transcript variant (1).
Genome position (GRCh38, 1-based): chr9:95,453,542, C>G on the plus strand (G>C on the coding strand, the complement: PTCH1 is on the minus strand). VCF-style: chr9-95453542-C-G. GRCh37 (hg19) VCF-style: chr9-98215824-C-G.
Other names: c.3187G>C, p.Gly1063Arg (NM_001083602.3); c.3382G>C, p.Gly1128Arg (NM_001083603.3); c.2932G>C, p.Gly978Arg (NM_001083604.3, NM_001083605.3, NM_001083606.3 and 1 more transcripts); c.3229G>C, p.Gly1077Arg (NM_001354918.2); short protein forms G1077R, G978R, G1063R, G1128R, G1129R.
Identifiers: ClinVar variation 823697 (VCV000823697.18), dbSNP rs1588528637, ClinGen allele CA374111775.

ClinVar aggregate classification (germline): Conflicting classifications of pathogenicity. Review status: criteria provided, conflicting classifications (1 of 4 stars). 2 submissions from 2 submitters: Likely pathogenic (1); Uncertain significance (1). Last evaluated 2022-03-05.

Conditions:
Gorlin syndrome. Also called: Nevoid Basal Cell Carcinoma Syndrome; Basal cell nevus syndrome. Identifiers: Orphanet 377, MedGen C0004779, MONDO:0007187.
Hereditary cancer-predisposing syndrome. Also called: Neoplastic Syndromes, Hereditary; Hereditary Cancer Syndrome; Hereditary neoplastic syndrome; Tumor predisposition. Identifiers: Orphanet 140162, MedGen C0027672, MeSH D009386, MONDO:0015356.

Submissions (2):

Labcorp Genetics (formerly Invitae), Labcorp
Classification: Uncertain significance for Gorlin syndrome. Last evaluated: 2022-03-05. Review status: criteria provided, single submitter. Criteria: Invitae Variant Classification Sherloc (09022015). Collection method: clinical testing. Allele origin: germline.
Comment: In summary, the available evidence is currently insufficient to determine the role of this variant in disease. Therefore, it has been classified as a Variant of Uncertain Significance. Advanced modeling of protein sequence and biophysical properties (such as structural, functional, and spatial information, amino acid conservation, physicochemical variation, residue mobility, and thermodynamic stability) performed at Invitae indicates that this missense variant is expected to disrupt PTCH1 protein function. ClinVar contains an entry for this variant (Variation ID: 823697). This variant has not been reported in the literature in individuals affected with PTCH1-related conditions. This variant is not present in population databases (gnomAD no frequency). This sequence change replaces glycine, which is neutral and non-polar, with arginine, which is basic and polar, at codon 1129 of the PTCH1 protein (p.Gly1129Arg).

Ambry Genetics
Classification: Likely pathogenic for Hereditary cancer-predisposing syndrome. Last evaluated: 2019-02-26. Review status: criteria provided, single submitter. Criteria: Ambry Variant Classification Scheme 2023. Collection method: clinical testing. Allele origin: germline.
Comment: The p.G1129R variant (also known as c.3385G>C), located in coding exon 20 of the PTCH1 gene, results from a G to C substitution at nucleotide position 3385. The glycine at codon 1129 is replaced by arginine, an amino acid with dissimilar properties. Based on structural analysis, this variant is anticipated to result in a decrease in structural stability on a functionally important region (Ambry internal data). This amino acid position is highly conserved in available vertebrate species. This alteration is also predicted to be probably damaging and deleterious by PolyPhen and SIFT in silico analyses, respectively. Based on the majority of available evidence to date, this variant is likely to be pathogenic.